The following is an entry in ClinVar:

ClinVar aggregate classification (germline): Uncertain significance. Review status: criteria provided, multiple submitters, no conflicts (2 of 4 stars). 5 submissions from 5 submitters: Uncertain significance (5). Last evaluated 2025-05-17.

Conditions:
Inborn genetic diseases. Identifiers: MedGen C0950123, MeSH D030342.
Harel-Yoon syndrome (HAYOS). Also called: Optic atrophy-peripheral neuropathy-developmental delay syndrome. Identifiers: Orphanet 496790, MedGen C4310677, MONDO:0014958, OMIM 617183.
Pontocerebellar hypoplasia, hypotonia, and respiratory insufficiency syndrome, neonatal lethal. Also called: PHRINL SYNDROME. Identifiers: Orphanet 615954, MedGen C5394137, MONDO:0032931, OMIM 618810.

Allele frequency attached by ClinVar (database versions not stated): gnomAD exomes 0.00006; gnomAD 0.00007; ESP Exome Variant Server 0.00008; ExAC 0.00012.
gnomAD v4.1: 83 of 1,490,660 alleles (0.0056%); highest among the groups gnomAD compares: Middle Eastern, 0.021%; no homozygotes.

Submissions (5):

Ambry Genetics
Classification: Uncertain significance for Inborn genetic diseases. Last evaluated: 2025-05-17. Review status: criteria provided, single submitter. Criteria: Ambry Variant Classification Scheme 2023. Collection method: clinical testing. Allele origin: germline.

Illumina Laboratory Services, Illumina
Classification: Uncertain significance for Harel-Yoon syndrome. Last evaluated: 2023-12-15. Review status: criteria provided, single submitter. Criteria: ISL SNV Classification Criteria 03 February 2026. Collection method: clinical testing. Allele origin: unknown.
Comment: The ATAD3A c.412C>T p.(Arg138Trp) missense variant, also referred to as p.(Arg186Trp), has not, to our knowledge, been reported in the peer-reviewed literature. This variant is not observed at a significant frequency in version 2.1.1 or version 4.0.0 of Genome Aggregation Database. Based on the available evidence, the c.412C>T p.(Arg138Trp) variant is classified as a variant of uncertain significance for Harel-Yoon syndrome.

GeneDx
Classification: Uncertain significance. Last evaluated: 2023-10-11. Review status: criteria provided, single submitter. Criteria: GeneDx Variant Classification Process June 2021. Collection method: clinical testing. Allele origin: germline. Affected: yes.
Comment: In silico analysis supports that this missense variant has a deleterious effect on protein structure/function; Has not been previously published as pathogenic or benign to our knowledge

Duke University Health System Sequencing Clinic, Duke University Health System
Classification: Uncertain significance for Pontocerebellar hypoplasia, hypotonia, and respiratory insufficiency syndrome, neonatal lethal. Last evaluated: 2023-04-20. Review status: criteria provided, single submitter. Criteria: ACMG Guidelines, 2015. Collection method: research. Allele origin: maternal. Affected: yes.

Fulgent Genetics
Classification: Uncertain significance for Harel-Yoon syndrome; Pontocerebellar hypoplasia, hypotonia, and respiratory insufficiency syndrome, neonatal lethal. Last evaluated: 2022-01-06. Review status: criteria provided, single submitter. Criteria: ACMG Guidelines, 2015. Collection method: clinical testing. Allele origin: unknown.

NM_001170535.3(ATAD3A):c.412C>T (p.Arg138Trp)

Gene: ATAD3A (ATPase family AAA domain containing 3A; plus strand). Cytogenetic location: 1p36.33.
Variant type: single nucleotide variant.
Coding change: c.412C>T on transcript NM_001170535.3 (MANE Select); coding-DNA position 412, C replaced by T.
Protein change: p.Arg138Trp; replaces arginine 138 with tryptophan.
Molecular consequence: missense variant.
Genome position (GRCh38, 1-based): chr1:1,517,743, C>T. VCF-style: chr1-1517743-C-T. GRCh37 (hg19) VCF-style: chr1-1453123-C-T.
Other names: c.412C>T (NM_001170535.1); c.556C>T (NM_018188.3); c.175C>T, p.Arg59Trp (NM_001170536.3); c.556C>T, p.Arg186Trp (NM_018188.5); short protein forms R138W, R186W, R59W.
Identifiers: ClinVar variation 1199193 (VCV001199193.13), dbSNP rs375517057, ClinGen allele CA525728.